The following is an entry in ClinVar:

NM_005529.7(HSPG2):c.3398G>T (p.Arg1133Leu)

Gene: HSPG2 (heparan sulfate proteoglycan 2; minus strand). Cytogenetic location: 1p36.12.
Variant type: single nucleotide variant.
Coding change: c.3398G>T on transcript NM_005529.7 (MANE Select); coding-DNA position 3398, G replaced by T.
Protein change: p.Arg1133Leu; replaces arginine 1133 with leucine.
Molecular consequence: missense variant.
Genome position (GRCh38, 1-based): chr1:21,874,907, C>A on the plus strand (G>T on the coding strand, the complement: HSPG2 is on the minus strand). VCF-style: chr1-21874907-C-A. GRCh37 (hg19) VCF-style: chr1-22201400-C-A.
Other names: c.3401G>T, p.Arg1134Leu (NM_001291860.2); short protein forms R1133L, R1134L.
Identifiers: ClinVar variation 1439362 (VCV001439362.7), dbSNP rs780698968, ClinGen allele CA338961297.
Genomic context (GRCh38, chr1:21,874,907, plus strand): 5'-CCATGGAGGGGGCTGGCTGGGCTGGCGTGGGGCCCAGGACTCACCTGGCAGGACGGCCCA[C>A]GGTACCCGGGTGGGCAGGAGCACTGTTCCACTTCCAGCGCGGGGTCCTGGCCGGTTTCCT-3'
Protein context (NP_005520.4, residues 1123-1143): VEQCSCPPGY[Arg1133Leu]GPSCQDCDTG

ClinVar aggregate classification (germline): Uncertain significance (1 of 4 stars; one submission).

gnomAD v4.1: 13 of 1,612,334 alleles (0.00081%); highest among the groups gnomAD compares: Admixed American, 0.005%; no homozygotes.

Submission:

Labcorp Genetics (formerly Invitae), Labcorp
Classification: Uncertain significance. Last evaluated: 2025-01-27. Review status: criteria provided, single submitter. Criteria: Invitae Variant Classification Sherloc (09022015). Collection method: clinical testing. Allele origin: germline.
Comment: This sequence change replaces arginine, which is basic and polar, with leucine, which is neutral and non-polar, at codon 1133 of the HSPG2 protein (p.Arg1133Leu). This variant is not present in population databases (gnomAD no frequency). This variant has not been reported in the literature in individuals affected with HSPG2-related conditions. ClinVar contains an entry for this variant (Variation ID: 1439362). An algorithm developed to predict the effect of missense changes on protein structure and function (PolyPhen-2) suggests that this variant is likely to be disruptive. In summary, the available evidence is currently insufficient to determine the role of this variant in disease. Therefore, it has been classified as a Variant of Uncertain Significance.